The following is an entry in ClinVar:

ClinVar aggregate classification (germline): Pathogenic (1 of 4 stars; one submission).

Conditions:
GM1 gangliosidosis. Identifiers: Orphanet 354, MedGen C0085131, MONDO:0018149.
Mucopolysaccharidosis, MPS-IV-B (MPS4B). Also called: MORQUIO SYNDROME B; Mucopolysaccharidosis Type IVB (Morquio B Disease); Mucopolysaccharidosis type 4B; Mucopolysaccharidosis type IVB (Morquio); MPS IVB; Mucopolysaccharidosis type IV B. Identifiers: Orphanet 309310, Orphanet 582, MedGen C0086652, MONDO:0009660, OMIM 253010.

Submission:

Labcorp Genetics (formerly Invitae), Labcorp
Classification: Pathogenic for Mucopolysaccharidosis, MPS-IV-B; GM1 gangliosidosis. Last evaluated: 2021-11-01. Review status: criteria provided, single submitter. Criteria: Invitae Variant Classification Sherloc (09022015). Collection method: clinical testing. Allele origin: germline.
Comment: This sequence change creates a premature translational stop signal (p.Asp531Profs*2) in the GLB1 gene. It is expected to result in an absent or disrupted protein product. Loss-of-function variants in GLB1 are known to be pathogenic (PMID: 18524657). This variant is not present in population databases (gnomAD no frequency). This variant has not been reported in the literature in individuals affected with GLB1-related conditions. For these reasons, this variant has been classified as Pathogenic.

Literature cited by the submitters: PubMed 18524657.

NM_000404.4(GLB1):c.1587_1590dup (p.Asp531delinsProTer)

Gene: GLB1 (galactosidase beta 1; minus strand). Cytogenetic location: 3p22.3.
Variant type: Duplication.
Coding change: c.1587_1590dup on transcript NM_000404.4 (MANE Select); coding-DNA positions 1587 to 1590, 4 bases duplicated (CCGT; older notation c.1587_1590dupCCGT).
Protein change: p.Asp531delinsProTer.
Molecular consequence: nonsense.
Genome position (GRCh38, 1-based): chr3:33,014,200-33,014,203, ACGG duplicated on the plus strand (CCGT on the coding strand, the reverse complement: GLB1 is on the minus strand). VCF-style (leftmost placement, unchanged base first): chr3-33014199-C-CACGG. GRCh37 (hg19) VCF-style: chr3-33055691-C-CACGG.
Other names: c.1497_1500dup, p.Asp501delinsProTer (NM_001079811.3); c.1194_1197dup, p.Asp400delinsProTer (NM_001135602.3); c.1731_1734dup, p.Asp579delinsProTer (NM_001317040.2); c.1587_1590dup, p.Asp531delinsProTer (NM_001393580.1).
Identifiers: ClinVar variation 1457406 (VCV001457406.6), dbSNP rs2125463278, ClinGen allele CA2573136203.